The following is an entry in ClinVar:

ClinVar aggregate classification (germline): Likely pathogenic (1 of 4 stars; one submission).

Conditions:
3-hydroxy-3-methylglutaryl-CoA synthase deficiency (HMGCS2D). Also called: MITOCHONDRIAL HMG-CoA SYNTHASE DEFICIENCY; HMG-CoA synthase-2 deficiency; HMGCS2 DEFICIENCY. Identifiers: Orphanet 35701, MedGen C2751532, MONDO:0011614, OMIM 605911.

Submission:

Labcorp Genetics (formerly Invitae), Labcorp
Classification: Likely pathogenic for 3-hydroxy-3-methylglutaryl-CoA synthase deficiency. Last evaluated: 2025-03-31. Review status: criteria provided, single submitter. Criteria: Invitae Variant Classification Sherloc (09022015). Collection method: clinical testing. Allele origin: germline.
Comment: This sequence change affects an acceptor splice site in intron 7 of the HMGCS2 gene. It is expected to disrupt RNA splicing. Variants that disrupt the donor or acceptor splice site typically lead to a loss of protein function (PMID: 16199547), and loss-of-function variants in HMGCS2 are known to be pathogenic (PMID: 20346956, 23751782, 25511235). This variant is not present in population databases (gnomAD no frequency). This variant has not been reported in the literature in individuals affected with HMGCS2-related conditions. Algorithms developed to predict the effect of sequence changes on RNA splicing suggest that this variant may disrupt the consensus splice site. In summary, the currently available evidence indicates that the variant is pathogenic, but additional data are needed to prove that conclusively. Therefore, this variant has been classified as Likely Pathogenic.

Literature cited by the submitters: PubMed 16199547; PubMed 20346956; PubMed 23751782; PubMed 25511235.

NM_005518.4(HMGCS2):c.1295-1G>C

Gene: HMGCS2 (3-hydroxy-3-methylglutaryl-CoA synthase 2; minus strand). Cytogenetic location: 1p12.
Variant type: single nucleotide variant.
Coding change: c.1295-1G>C on transcript NM_005518.4 (MANE Select); the canonical splice acceptor site of the intron before coding-DNA position 1295, G replaced by C.
Molecular consequence: splice acceptor variant.
Genome position (GRCh38, 1-based): chr1:119,752,675, C>G on the plus strand (G>C on the coding strand, the complement: HMGCS2 is on the minus strand). VCF-style: chr1-119752675-C-G. GRCh37 (hg19) VCF-style: chr1-120295298-C-G.
Other names: c.1169-1G>C (NM_001166107.1).
Identifiers: ClinVar variation 4805929 (VCV004805929.1).